The following is an entry in ClinVar:

NM_001379500.1(COL18A1):c.2361G>T (p.Pro787=)

Gene: COL18A1 (collagen type XVIII alpha 1 chain; plus strand). Cytogenetic location: 21q22.3.
Variant type: single nucleotide variant.
Coding change: c.2361G>T on transcript NM_001379500.1 (MANE Select); coding-DNA position 2361, G replaced by T.
Protein change: p.Pro787=; no amino-acid change (proline 787 retained).
Molecular consequence: synonymous variant.
Genome position (GRCh38, 1-based): chr21:45,494,553, G>T. VCF-style: chr21-45494553-G-T. GRCh37 (hg19) VCF-style: chr21-46914467-G-T.
Other names: c.2901G>T (NM_030582.3); c.2901G>T, p.Pro967= (NM_030582.4); c.3606G>T, p.Pro1202= (NM_130444.3).
Identifiers: ClinVar variation 1113441 (VCV001113441.11), dbSNP rs371966493, ClinGen allele CA10067022.

ClinVar aggregate classification (germline): Likely benign. Review status: criteria provided, multiple submitters, no conflicts (2 of 4 stars). 3 submissions from 3 submitters: Likely benign (3). Last evaluated 2026-01-24.

Conditions:
COL18A1-related disorder. Also called: COL18A1-related disorders; COL18A1-related condition.

Allele frequency attached by ClinVar (database versions not stated): ESP Exome Variant Server 0.00033.
gnomAD v4.1: 207 of 1,613,170 alleles (0.013%); highest among the groups gnomAD compares: Non-Finnish European, 0.016%; no homozygotes.

Submissions (3):

Labcorp Genetics (formerly Invitae), Labcorp
Classification: Likely benign. Last evaluated: 2026-01-24. Review status: criteria provided, single submitter. Criteria: Invitae Variant Classification Sherloc (09022015). Collection method: clinical testing. Allele origin: germline.

PreventionGenetics, part of Exact Sciences
Classification: Likely benign for COL18A1-related condition. Last evaluated: 2025-04-18. Review status: criteria provided, single submitter. Criteria: ACMG Guidelines, 2015. Collection method: clinical testing. Allele origin: germline.
Comment: This variant is classified as likely benign based on ACMG/AMP sequence variant interpretation guidelines (Richards et al. 2015 PMID: 25741868, with internal and published modifications).

Blueprint Genetics
Classification: Likely benign. Last evaluated: 2024-11-25. Review status: criteria provided, single submitter. Criteria: ACMG Guidelines, 2015. Collection method: clinical testing. Allele origin: germline.